The following is an entry in ClinVar:

NM_001378457.1(DMXL2):c.8967+9G>C

Genes: DMXL2 (Dmx like 2; minus strand), LOC126862131 (MED14-independent group 3 enhancer GRCh37_chr15:51741640-51742839; plus strand). Cytogenetic location: 15q21.2.
Variant type: single nucleotide variant.
Coding change: c.8967+9G>C on transcript NM_001378457.1 (MANE Select); 9 bases into the intron after coding-DNA position 8967, G replaced by C.
Molecular consequence: intron variant.
Genome position (GRCh38, 1-based): chr15:51,450,120, C>G on the plus strand (G>C on the coding strand, the complement: DMXL2 is on the minus strand). VCF-style: chr15-51450120-C-G. GRCh37 (hg19) VCF-style: chr15-51742317-C-G.
Other names: c.6882+9G>C (NM_001378460.1); c.6993+9G>C (NM_001174117.3); c.8901+9G>C (NM_015263.5); c.8964+9G>C (NM_001378458.1); c.8679+9G>C (NM_001378459.1); c.8904+9G>C (NM_001174116.3).
Identifiers: ClinVar variation 735529 (VCV000735529.12), dbSNP rs182672196, ClinGen allele CA7560860.

ClinVar aggregate classification (germline): Conflicting classifications of pathogenicity. Review status: criteria provided, conflicting classifications (1 of 4 stars). 4 submissions from 4 submitters: Uncertain significance (1); Likely benign (3). Last evaluated 2025-12-30.

Conditions:
DMXL2-related disorder. Also called: DMXL2-related condition.

Allele frequency attached by ClinVar (database versions not stated): gnomAD 0.00058 and 0.00060; 1000 Genomes Project 0.00060; 1000 Genomes Project 30x 0.00062; TOPMed 0.00072; ESP Exome Variant Server 0.00085.
gnomAD v4.1: 176 of 1,612,732 alleles (0.011%); highest among the groups gnomAD compares: African/African-American, 0.21%; 1 homozygote.

Submissions (4):

Labcorp Genetics (formerly Invitae), Labcorp
Classification: Likely benign. Last evaluated: 2025-12-30. Review status: criteria provided, single submitter. Criteria: Invitae Variant Classification Sherloc (09022015). Collection method: clinical testing. Allele origin: germline.

Women's Health and Genetics/Laboratory Corporation of America, LabCorp
Classification: Uncertain significance. Last evaluated: 2025-09-11. Review status: criteria provided, single submitter. Criteria: LabCorp Variant Classification Summary - May 2015. Collection method: clinical testing. Allele origin: germline.
Comment: Variant summary: DMXL2 c.8901+9G>C alters a non-conserved nucleotide located at a position not widely known to affect splicing. Several computational tools predict a significant impact on normal splicing: Four predict the variant no significant impact on splicing. However, these predictions have yet to be confirmed by functional studies. The variant allele was found at a frequency of 0.00012 in 250420 control chromosomes, predominantly at a frequency of 0.0017 within the African or African-American subpopulation in the gnomAD database. This frequency is not significantly higher than estimated for disease-causing variants in DMXL2, allowing no conclusion about variant significance. To our knowledge, no occurrence of c.8901+9G>C in individuals affected with DMXL2-related conditions and no experimental evidence demonstrating its impact on protein function have been reported. ClinVar contains an entry for this variant (Variation ID: 735529). Based on the evidence outlined above, the variant was classified as uncertain significance.

PreventionGenetics, part of Exact Sciences
Classification: Likely benign for DMXL2-related condition. Last evaluated: 2025-07-28. Review status: criteria provided, single submitter. Criteria: ACMG Guidelines, 2015. Collection method: clinical testing. Allele origin: germline.
Comment: This variant is classified as likely benign based on ACMG/AMP sequence variant interpretation guidelines (Richards et al. 2015 PMID: 25741868, with internal and published modifications).

Blueprint Genetics
Classification: Likely benign. Last evaluated: 2023-11-06. Review status: criteria provided, single submitter. Criteria: ACMG Guidelines, 2015. Collection method: clinical testing. Allele origin: germline.